The following is an entry in ClinVar:

ClinVar aggregate classification (germline): Uncertain significance (1 of 4 stars; one submission).

Submission:

GeneDx
Classification: Uncertain significance. Last evaluated: 2021-04-19. Review status: criteria provided, single submitter. Criteria: GeneDx Variant Classification Process June 2021. Collection method: clinical testing. Allele origin: germline. Affected: yes.
Comment: Frameshift variant predicted to result in protein truncation or nonsense mediated decay in a gene for which loss-of-function is not a known mechanism of disease; Not observed in large population cohorts (Lek et al., 2016); Has not been previously published as pathogenic or benign to our knowledge

NM_032656.4(DHX37):c.2849del (p.Lys950fs)

Gene: DHX37 (DEAH-box helicase 37; minus strand). Cytogenetic location: 12q24.31.
Variant type: Deletion.
Coding change: c.2849del on transcript NM_032656.4 (MANE Select); coding-DNA position 2849, one base deleted (A; older notation c.2849delA).
Protein change: p.Lys950fs; shifts the reading frame from lysine 950.
Molecular consequence: frameshift variant.
Genome position (GRCh38, 1-based): chr12:124,952,417, T deleted on the plus strand (A on the coding strand, the reverse complement: DHX37 is on the minus strand); the first of 2 consecutive T bases (chr12:124,952,417-124,952,418); deleting either gives the same sequence. VCF-style (leftmost placement, unchanged base first): chr12-124952416-CT-C. GRCh37 (hg19) VCF-style: chr12-125436962-CT-C.
Other names: short protein forms K950fs.
Identifiers: ClinVar variation 1315790 (VCV001315790.2), dbSNP rs2135928940, ClinGen allele CA2573053628.